The following is an entry in ClinVar:

NM_001267550.2(TTN):c.18903C>T (p.Thr6301=)

Genes: TTN (titin; minus strand), LOC126806430 (BRD4-independent group 4 enhancer GRCh37_chr2:179593794-179594993; plus strand). Cytogenetic location: 2q31.2.
Variant type: single nucleotide variant.
Coding change: c.18903C>T on transcript NM_001267550.2 (MANE Select); coding-DNA position 18903, C replaced by T.
Protein change: p.Thr6301=; no amino-acid change (threonine 6301 retained).
Molecular consequence: synonymous variant. On other transcripts: intron variant (3).
Genome position (GRCh38, 1-based): chr2:178,729,135, G>A on the plus strand (C>T on the coding strand, the complement: TTN is on the minus strand). VCF-style: chr2-178729135-G-A. GRCh37 (hg19) VCF-style: chr2-179593862-G-A.
Other names: p.T5984T:ACC>ACT; p.Thr5057=; c.13282+8947C>T (NM_003319.4); c.13858+8947C>T (NM_133437.4); c.13657+8947C>T (NM_133432.3); c.17952C>T, p.Thr5984= (NM_001256850.1); c.15171C>T, p.Thr5057= (NM_133378.4).
Identifiers: ClinVar variation 46649 (VCV000046649.41), dbSNP rs72648950, ClinGen allele CA282733.

ClinVar aggregate classification (germline): Benign. Review status: criteria provided, multiple submitters, no conflicts (2 of 4 stars). 24 submissions from 17 submitters: Benign (20). 4 of the submissions do not count toward it. Last evaluated 2026-02-04.

Conditions:
Cardiovascular phenotype. Identifiers: MedGen CN230736.
Dilated cardiomyopathy 1G (CMD1G). Identifiers: Orphanet 154, MedGen C1858763, MONDO:0011400, OMIM 604145.
Autosomal recessive limb-girdle muscular dystrophy type 2J (LGMDR10). Also called: Limb-girdle muscular dystrophy, type 2J; MUSCULAR DYSTROPHY, LIMB-GIRDLE, AUTOSOMAL RECESSIVE 10. Identifiers: Orphanet 140922, MedGen C1837342, MONDO:0012127, OMIM 608807.
Cardiomyopathy (CMYO). Also called: Cardiomyopathies. Identifiers: Orphanet 167848, MedGen C0878544, MONDO:0004994, HP:0001638. Inheritance: Various modes of inheritance.
Early-onset myopathy with fatal cardiomyopathy (CMYO5). Also called: CONGENITAL MYOPATHY 5 WITH CARDIOMYOPATHY; Salih Myopathy. Identifiers: Orphanet 289377, MedGen C2673677, MONDO:0012714, OMIM 611705. Disease mechanism: loss of function.
Myopathy, myofibrillar, 9, with early respiratory failure (MFM9). Also called: MYOPATHY, PROXIMAL, WITH EARLY RESPIRATORY MUSCLE INVOLVEMENT; Myopathy, distal, with early respiratory failure, autosomal dominant; Hereditary myopathy with early respiratory failure; EDSTROM MYOPATHY. Identifiers: Orphanet 178464, Orphanet 34521, MedGen C1863599, MONDO:0011362, OMIM 603689.
Tibial muscular dystrophy (TMD). Also called: Tibial muscular dystrophy, tardive; UDD MYOPATHY; Udd Distal Myopathy – Tibial Muscular Dystrophy. Identifiers: Orphanet 609, MedGen C1838244, MONDO:0010870, OMIM 600334.

Allele frequency attached by ClinVar (database versions not stated): ESP Exome Variant Server 0.00592; gnomAD exomes 0.01192 and 0.03276; gnomAD 0.01944 and 0.01956; 1000 Genomes Project 0.02416; 1000 Genomes Project 30x 0.02420; ExAC 0.02584; TOPMed 0.02601.
gnomAD v4.1: 20,116 of 1,597,376 alleles (1.3%); highest among the groups gnomAD compares: Admixed American, 16%; 909 homozygotes.

Submissions (24):

Labcorp Genetics (formerly Invitae), Labcorp
Classification: Benign for Dilated cardiomyopathy 1G; Autosomal recessive limb-girdle muscular dystrophy type 2J. Last evaluated: 2026-02-04. Review status: criteria provided, single submitter. Criteria: Invitae Variant Classification Sherloc (09022015). Collection method: clinical testing. Allele origin: germline.

Molecular Diagnostic Laboratory for Inherited Cardiovascular Disease, Montreal Heart Institute
Classification: Benign. Last evaluated: 2025-04-09. Review status: criteria provided, single submitter. Criteria: ACMG Guidelines, 2015. Collection method: clinical testing. Allele origin: germline. Affected: no.

Genome-Nilou Lab
Classification: Benign for Autosomal recessive limb-girdle muscular dystrophy type 2J. Last evaluated: 2021-09-10. Review status: criteria provided, single submitter. Criteria: ACMG Guidelines, 2015. Collection method: clinical testing. Allele origin: germline. Affected: no.

Genome-Nilou Lab
Classification: Benign for Myopathy, myofibrillar, 9, with early respiratory failure. Last evaluated: 2021-09-10. Review status: criteria provided, single submitter. Criteria: ACMG Guidelines, 2015. Collection method: clinical testing. Allele origin: germline. Affected: no.

Genome-Nilou Lab
Classification: Benign for Early-onset myopathy with fatal cardiomyopathy. Last evaluated: 2021-09-10. Review status: criteria provided, single submitter. Criteria: ACMG Guidelines, 2015. Collection method: clinical testing. Allele origin: germline. Affected: no.

Genome-Nilou Lab
Classification: Benign for Tibial muscular dystrophy. Last evaluated: 2021-09-10. Review status: criteria provided, single submitter. Criteria: ACMG Guidelines, 2015. Collection method: clinical testing. Allele origin: germline. Affected: no.

Women's Health and Genetics/Laboratory Corporation of America, LabCorp
Classification: Benign. Last evaluated: 2019-10-30. Review status: criteria provided, single submitter. Criteria: LabCorp Variant Classification Summary - May 2015. Collection method: clinical testing. Allele origin: germline.
Comment: Variant summary: TTN c.15171C>T results in a synonymous change. 5/5 computational tools predict no significant impact on normal splicing. However, these predictions have yet to be confirmed by functional studies. The variant allele was found at a frequency of 0.033 in 231630 control chromosomes, predominantly at a frequency of 0.18 within the Latino subpopulation in the gnomAD database, including 513 homozygotes. The observed variant frequency within Latino control individuals in the gnomAD database is approximately 288 folds over the estimated maximal expected allele frequency for a pathogenic variant in TTN causing Cardiomyopathy phenotype (0.00063), strongly suggesting that the variant is a benign polymorphism found primarily in populations of Latino origin. Four ClinVar submissions (evaluation after 2014) cite the variant three times as benign and once as likely benign. Based on the evidence outlined above, the variant was classified as benign.

Mayo Clinic Laboratories, Mayo Clinic
Classification: Benign. Last evaluated: 2018-04-04. Review status: criteria provided, single submitter. Criteria: ACMG Guidelines, 2015. Collection method: clinical testing. Allele origin: germline. Observed: 74 variant alleles.

Illumina Laboratory Services, Illumina
Classification: Benign for Myopathy, myofibrillar, 9, with early respiratory failure. Last evaluated: 2018-01-12. Review status: criteria provided, single submitter. Criteria: ICSL Variant Classification Criteria 13 December 2019. Collection method: clinical testing. Allele origin: germline.
Comment: This variant was observed in the ICSL laboratory as part of a predisposition screen in an ostensibly healthy population. It had not been previously curated by ICSL or reported in the Human Gene Mutation Database (HGMD: prior to June 1st, 2018), and was therefore a candidate for classification through an automated scoring system. Utilizing variant allele frequency, disease prevalence and penetrance estimates, and inheritance mode, an automated score was calculated to assess if this variant is too frequent to cause the disease. Based on the score and internal cut-off values, a variant classified as benign is not then subjected to further curation. The score for this variant resulted in a classification of benign for this disease.

Illumina Laboratory Services, Illumina
Classification: Benign for Tibial muscular dystrophy. Last evaluated: 2018-01-12. Review status: criteria provided, single submitter. Criteria: ICSL Variant Classification Criteria 13 December 2019. Collection method: clinical testing. Allele origin: germline.
Comment: the same text as in the submission from Illumina Laboratory Services, Illumina above.

Illumina Laboratory Services, Illumina
Classification: Benign for Autosomal recessive limb-girdle muscular dystrophy type 2J. Last evaluated: 2018-01-12. Review status: criteria provided, single submitter. Criteria: ICSL Variant Classification Criteria 13 December 2019. Collection method: clinical testing. Allele origin: germline.
Comment: the same text as in the submission from Illumina Laboratory Services, Illumina above.

Illumina Laboratory Services, Illumina
Classification: Benign for Early-onset myopathy with fatal cardiomyopathy. Last evaluated: 2018-01-12. Review status: criteria provided, single submitter. Criteria: ICSL Variant Classification Criteria 13 December 2019. Collection method: clinical testing. Allele origin: germline.
Comment: the same text as in the submission from Illumina Laboratory Services, Illumina above.

Illumina Laboratory Services, Illumina
Classification: Benign for Dilated cardiomyopathy 1G. Last evaluated: 2018-01-12. Review status: criteria provided, single submitter. Criteria: ICSL Variant Classification Criteria 13 December 2019. Collection method: clinical testing. Allele origin: germline.
Comment: the same text as in the submission from Illumina Laboratory Services, Illumina above.

CHEO Genetics Diagnostic Laboratory, Children's Hospital of Eastern Ontario
Classification: Benign for Cardiomyopathy. Last evaluated: 2015-12-01. Review status: criteria provided, single submitter. Criteria: ACMG Guidelines, 2015. Collection method: clinical testing. Allele origin: germline. Study: Canadian Open Genetics Repository.

Eurofins Ntd Llc (ga)
Classification: Benign. Last evaluated: 2015-07-20. Review status: criteria provided, single submitter. Criteria: EGL Classification Definitions 2015. Collection method: clinical testing. Allele origin: germline. Observed: 4 variant alleles, 4 heterozygotes.

GeneDx
Classification: Benign. Last evaluated: 2013-03-22. Review status: criteria provided, single submitter. Criteria: GeneDx Variant Classification (06012015). Collection method: clinical testing. Allele origin: germline. Affected: yes.
Comment: This variant is considered likely benign or benign based on one or more of the following criteria: it is a conservative change, it occurs at a poorly conserved position in the protein, it is predicted to be benign by multiple in silico algorithms, and/or has population frequency not consistent with disease.

Ambry Genetics
Classification: Benign for Cardiovascular phenotype. Last evaluated: 2013-01-14. Review status: criteria provided, single submitter. Criteria: Ambry Autosomal Dominant and X-Linked criteria (10/2015). Collection method: clinical testing. Allele origin: germline. Observed: 1 variant allele.

Laboratory for Molecular Medicine, Mass General Brigham Personalized Medicine
Classification: Benign. Last evaluated: 2011-09-27. Review status: criteria provided, single submitter. Criteria: LMM Criteria. Collection method: clinical testing. Allele origin: germline. Observed: 70 variant alleles.

Breakthrough Genomics
Classification: Benign. Review status: criteria provided, single submitter. Criteria: ACMG Guidelines, 2015. Collection method: not provided. Allele origin: germline. Inheritance: Autosomal recessive inheritance. Affected: yes.

PreventionGenetics, part of Exact Sciences
Classification: Benign. Review status: criteria provided, single submitter. Criteria: ACMG Guidelines, 2015. Collection method: clinical testing. Allele origin: germline.

Clinical Genetics, Academic Medical Center
Classification: Benign. Review status: no assertion criteria provided. Collection method: clinical testing. Allele origin: germline. Affected: yes. Study: VKGL Data-share Consensus. Not counted in ClinVar's aggregate classification.

Genetic Services Laboratory, University of Chicago
Classification: Likely benign for AllHighlyPenetrant. Review status: no assertion criteria provided. Collection method: clinical testing. Allele origin: germline. Not counted in ClinVar's aggregate classification.
Comment: Likely benign based on allele frequency in 1000 Genomes Project or ESP global frequency and its presence in a patient with a rare or unrelated disease phenotype. NOT Sanger confirmed.

Joint Genome Diagnostic Labs from Nijmegen and Maastricht, Radboudumc and MUMC+
Classification: Benign. Review status: no assertion criteria provided. Collection method: clinical testing. Allele origin: germline. Affected: yes. Study: VKGL Data-share Consensus. Not counted in ClinVar's aggregate classification.

Laboratory of Diagnostic Genome Analysis, Leiden University Medical Center (LUMC)
Classification: Likely benign. Review status: no assertion criteria provided. Collection method: clinical testing. Allele origin: germline. Affected: yes. Study: VKGL Data-share Consensus. Not counted in ClinVar's aggregate classification.